The following is an entry in ClinVar:

NM_014712.3(SETD1A):c.3005_3006del (p.Glu1002fs)

Gene: SETD1A (SET domain containing 1A, histone lysine methyltransferase; plus strand). Cytogenetic location: 16p11.2.
Variant type: Microsatellite.
Coding change: c.3005_3006del on transcript NM_014712.3 (MANE Select); coding-DNA positions 3005 to 3006, 2 bases deleted (AG; older notation c.3005_3006delAG).
Protein change: p.Glu1002fs; shifts the reading frame from glutamic acid 1002.
Molecular consequence: frameshift variant.
Genome position (GRCh38, 1-based): chr16:30,969,678-30,969,679, AG deleted; deleting any 2 consecutive bases within chr16:30,969,676-30,969,679 gives the same sequence; the c. name uses the placement nearest the transcript's 3' end. VCF-style (leftmost placement, unchanged base first): chr16-30969675-CAG-C. GRCh37 (hg19) VCF-style: chr16-30980996-CAG-C.
Other names: short protein forms E1002fs.
Identifiers: ClinVar variation 2690905 (VCV002690905.1), dbSNP rs2543876266, ClinGen allele CA2697555802.

ClinVar aggregate classification (germline): Likely pathogenic (1 of 4 stars; one submission).

Conditions:
Neurodevelopmental disorder with speech impairment and dysmorphic facies. Identifiers: MedGen C5436699, MONDO:0033630, OMIM 619056.

Submission:

Johns Hopkins Genomics, Johns Hopkins University
Classification: Likely pathogenic for Neurodevelopmental disorder with speech impairment and dysmorphic facies. Last evaluated: 2024-01-15. Review status: criteria provided, single submitter. Criteria: ACMG Guidelines, 2015. Collection method: clinical testing. Allele origin: germline.
Comment: This SETD1A variant is absent from a large population variant database and has not been reported previously to our knowledge. This frameshift variant in exon 12 of 19 results in a premature termination codon (PTC) likely leading to nonsense-mediated decay and lack of protein production. We consider c.3005_3006del to be likely pathogenic for autosomal dominant neurodevelopmental disorder with speech impairment and dysmorphic facies.

Literature cited by the submitters: PubMed 26974950; PubMed 32346159.